The following is an entry in ClinVar:

ClinVar aggregate classification (germline): Pathogenic/Likely pathogenic. Review status: criteria provided, multiple submitters, no conflicts (2 of 4 stars). 10 submissions from 9 submitters: Pathogenic (6); Likely pathogenic (3). 1 of the submissions does not count toward it. Last evaluated 2025-11-16.

Conditions:
COASY-Related Disorders.
Pontocerebellar hypoplasia, type 12. Identifiers: Orphanet 611256, MedGen C4748873, MONDO:0032643, OMIM 618266.
Neurodegeneration with brain iron accumulation 6 (NBIA6). Also called: COASY protein-associated neurodegeneration. Identifiers: Orphanet 397725, MedGen C4517377, MONDO:0014290, OMIM 615643.
Neurodegeneration with brain iron accumulation 2B. Also called: aNAD; atypical Neuroaxonal Dystrophy (aNAD); NEUROAXONAL DYSTROPHY, ATYPICAL; NEURODEGENERATION WITH BRAIN IRON ACCUMULATION, PLA2G6-RELATED. Identifiers: Orphanet 35069, MedGen C1857747, MONDO:0012444, OMIM 610217.

Allele frequency attached by ClinVar (database versions not stated): TOPMed below 0.00001; gnomAD 0.00001 and 0.00002; ExAC 0.00008; gnomAD exomes 0.00008; 1000 Genomes Project 30x 0.00031; 1000 Genomes Project 0.00040.
gnomAD v4.1: 72 of 1,614,164 alleles (0.0045%); highest among the groups gnomAD compares: South Asian, 0.061%; no homozygotes.

Submissions (10):

GeneDx
Classification: Pathogenic. Last evaluated: 2025-11-16. Review status: criteria provided, single submitter. Criteria: GeneDx Variant Classification Process June 2021. Collection method: clinical testing. Allele origin: germline.
Comment: Non-canonical splice site variant demonstrated to result in loss-of-function (PMID: 30089828); This variant is associated with the following publications: (PMID: 30089828, Bansal2024[CaseReport], 36790591, 35568357, 35499143)

Labcorp Genetics (formerly Invitae), Labcorp
Classification: Pathogenic for Neurodegeneration with brain iron accumulation 6. Last evaluated: 2025-08-26. Review status: criteria provided, single submitter. Criteria: Invitae Variant Classification Sherloc (09022015). Collection method: clinical testing. Allele origin: germline.
Comment: This sequence change falls in intron 7 of the COASY gene. It does not directly change the encoded amino acid sequence of the COASY protein. It affects a nucleotide within the consensus splice site. This variant is present in population databases (rs577714887, gnomAD 0.05%). This variant has been observed in individuals with pontocerebellar hypoplasia (PMID: 30089828). It has also been observed to segregate with disease in related individuals. ClinVar contains an entry for this variant (Variation ID: 599341). Studies have shown that this variant alters COASY gene expression (PMID: 30089828). Variants that disrupt the consensus splice site are a relatively common cause of aberrant splicing (PMID: 17576681, 9536098). Algorithms developed to predict the effect of sequence changes on RNA splicing suggest that this variant may disrupt the consensus splice site. For these reasons, this variant has been classified as Pathogenic.

First Genomix Gene Laboratory, Genetic Diagnostics Department
Classification: Pathogenic for Neurodegeneration with brain iron accumulation 6; Pontocerebellar hypoplasia, type 12. Last evaluated: 2025-08-05. Review status: criteria provided, single submitter. Criteria: ACMG Guidelines, 2015. Collection method: clinical testing. Allele origin: germline. Inheritance: Autosomal recessive inheritance. Affected: no. Observed: 1 variant allele.

Institute of Medical Genetics and Genomics, Sir Ganga Ram Hospital
Classification: Pathogenic for Pontocerebellar hypoplasia, type 12. Last evaluated: 2024-07-24. Review status: criteria provided, single submitter. Criteria: ACMG Guidelines, 2015. Collection method: clinical testing. Allele origin: germline. Inheritance: Autosomal recessive inheritance. Affected: yes. Observed: 4 variant alleles, 4 homozygotes.
Comment: Based on the findings by Tessa van Dijk et al. in 2018 (DOI 10.1038/s41431-018-0233-0), the intronic variant c.1486-3 C>G has been associated with Pontocerebellar hypoplasia 12. RNA analysis demonstrated that this variant causes exon 7 skipping with partial intron 7 retention, disrupting the reading frame and leading to a premature stop codon (p.(Ala496Ilefs*20)). Subsequently, Ranjana Mishra et al. in 2022 (PMID: 35499143) reported four additional families with the same c.1486-3 C>G intronic variant and describe this intronic variant as a possible common Indian origin variant. This variant is also found in the gnomAD database with an allele frequency of 0.0078% (22 alleles, no homozygotes) [PM2], predominantly among individuals of South Asian descent (16 out of 22 alleles). spliceAI predicts a splicing impact (score=0.8) of this intronic variant [PP3] Considering the cumulative evidence from familial cases and functional studies, this variant has been classified as "Pathogenic".

Blueprint Genetics
Classification: Likely pathogenic for COASY-related disorders. Last evaluated: 2018-09-24. Review status: criteria provided, single submitter. Criteria: ACMG Guidelines, 2015. Collection method: clinical testing. Allele origin: germline. Affected: yes. Observed: 5 variant alleles.

Department of Medical Genetics, Sanjay Gandhi Post Graduate Institute of Medical Sciences
Classification: Likely pathogenic for Pontocerebellar hypoplasia, type 12. Review status: criteria provided, single submitter. Criteria: ACMG Guidelines, 2015. Collection method: research. Allele origin: germline. Inheritance: Autosomal recessive inheritance. Affected: yes. Observed: 1 homozygote.
Comment: Analysis of the exome sequencing data showed a novel homozygous sequence variant in COASY gene. This variant is predicted as Disease causing by MutationTaster.

Kasturba Medical College, Manipal, Kasturba Medical College, Manipal, Manipal Academy of Higher Education, Manipal, India
Classification: Likely pathogenic for Pontocerebellar hypoplasia, type 12. Review status: criteria provided, single submitter. Criteria: ACMG Guidelines, 2015. Collection method: clinical testing. Allele origin: biparental. Inheritance: Autosomal recessive inheritance. Observed: 1 homozygote.
Comment: In-silico tools (CADD_phred and Mutation Taster) predict the variant to be disease-causing, resulting in the formation of non-functional protein.

Neuberg Centre For Genomic Medicine, NCGM
Classification: Pathogenic for Pontocerebellar hypoplasia, type 12. Review status: criteria provided, single submitter. Criteria: ACMG Guidelines, 2015. Collection method: clinical testing. Allele origin: germline. Inheritance: Autosomal recessive inheritance. Affected: yes.
Comment: The observed splice site variant c.1486-3C>G in COASY gene has been reported in compound heterozygous state in five families affected with Pontocerebellar hypoplasia (van Dijk T et al. 2018; Mishra R et al. 2022). Experimental evidence have shown that the c.1486-3 C>G variant leads to skipping of exon 7 with partial retention of intron 7, disturbing the reading frame and resulting in a premature stop codon [p.(Ala496Ilefs*20)] (van Dijk T et al. 2018). The c.1486-3C>G variant has allele freuqency 0.008% in gnomAD. This variant has been submitted to the ClinVar database as Likely Pathogenic / Pathogenic. SpliceAI predicts a acceptor gain of 0.80 for this variant. For these reasons, this variant has been classified as Pathogenic.

Neuberg Centre For Genomic Medicine, NCGM
Classification: Pathogenic for Neurodegeneration with brain iron accumulation 2B. Review status: criteria provided, single submitter. Criteria: ACMG Guidelines, 2015. Collection method: clinical testing. Allele origin: germline. Inheritance: Autosomal recessive inheritance. Affected: yes.
Comment: Experimental evidence shows that the c.1486-3 C>G variant leads to skipping of exon 7 with partial retention of intron 7, disturbing the reading frame and resulting in a premature stop codon (p.(Ala496Ilefs*20) (Van Dijk T, et al., 2018)

OMIM
Classification: Pathogenic for PONTOCEREBELLAR HYPOPLASIA, TYPE 12. Last evaluated: 2019-01-09. Review status: no assertion criteria provided. Collection method: literature only. Allele origin: germline. Not counted in ClinVar's aggregate classification.

Literature cited by the submitters: PubMed 30089828 (cited by 3 submitters); PubMed 17576681 (cited by Labcorp Genetics (formerly Invitae), Labcorp); PubMed 9536098 (cited by Labcorp Genetics (formerly Invitae), Labcorp); PubMed 35499143 (cited by Institute of Medical Genetics and Genomics, Sir Ganga Ram Hospital).

NM_025233.7(COASY):c.1486-3C>G

Gene: COASY (Coenzyme A synthase; plus strand). Cytogenetic location: 17q21.2.
Variant type: single nucleotide variant.
Coding change: c.1486-3C>G on transcript NM_025233.7 (MANE Select); 3 bases into the intron before coding-DNA position 1486, C replaced by G.
Molecular consequence: intron variant.
Genome position (GRCh38, 1-based): chr17:42,565,656, C>G. VCF-style: chr17-42565656-C-G. GRCh37 (hg19) VCF-style: chr17-40717674-C-G.
Other names: IVS7AS, C-G, -3; c.1573-3C>G (NM_001042532.4); c.1486-3C>G (NM_001042529.3).
Identifiers: ClinVar variation 599341 (VCV000599341.11), dbSNP rs577714887, ClinGen allele CA8578373.